The following is an entry in ClinVar:

NM_006904.7(PRKDC):c.3427G>T (p.Val1143Phe)

Gene: PRKDC (protein kinase, DNA-activated, catalytic subunit; minus strand). Cytogenetic location: 8q11.21.
Variant type: single nucleotide variant.
Coding change: c.3427G>T on transcript NM_006904.7 (MANE Select); coding-DNA position 3427, G replaced by T.
Protein change: p.Val1143Phe; replaces valine 1143 with phenylalanine.
Molecular consequence: missense variant.
Genome position (GRCh38, 1-based): chr8:47,898,507, C>A on the plus strand (G>T on the coding strand, the complement: PRKDC is on the minus strand). VCF-style: chr8-47898507-C-A. GRCh37 (hg19) VCF-style: chr8-48811067-C-A.
Other names: c.3427G>T, p.Val1143Phe (NM_001081640.2); short protein forms V1143F.
Identifiers: ClinVar variation 1731320 (VCV001731320.2), dbSNP rs2089622803, ClinGen allele CA371154507.

ClinVar aggregate classification (germline): Uncertain significance (1 of 4 stars; one submission).

Submission:

Ambry Genetics
Classification: Uncertain significance. Last evaluated: 2021-12-10. Review status: criteria provided, single submitter. Criteria: Ambry Variant Classification Scheme 2023. Collection method: clinical testing. Allele origin: germline.
Comment: The p.V1143F variant (also known as c.3427G>T), located in coding exon 29 of the PRKDC gene, results from a G to T substitution at nucleotide position 3427. The valine at codon 1143 is replaced by phenylalanine, an amino acid with highly similar properties. This amino acid position is conserved. In addition, this alteration is predicted to be tolerated by in silico analysis. Since supporting evidence is limited at this time, the clinical significance of this alteration remains unclear.